The following is an entry in ClinVar:

ClinVar aggregate classification (germline): Uncertain significance (1 of 4 stars; one submission).

Submission:

CeGaT Center for Human Genetics Tuebingen
Classification: Uncertain significance. Last evaluated: 2025-10-01. Review status: criteria provided, single submitter. Criteria: CeGaT Center For Human Genetics Tuebingen Variant Classification Criteria Version 2. Collection method: clinical testing. Allele origin: germline. Affected: yes. Observed: 1 variant allele.
Comment: USH2A: PM2:Supporting, BP4

NM_206933.4(USH2A):c.12207G>A (p.Leu4069=)

Gene: USH2A (usherin; minus strand). Cytogenetic location: 1q41.
Variant type: single nucleotide variant.
Coding change: c.12207G>A on transcript NM_206933.4 (MANE Select); coding-DNA position 12207, G replaced by A.
Protein change: p.Leu4069=; no amino-acid change (leucine 4069 retained).
Molecular consequence: synonymous variant.
Genome position (GRCh38, 1-based): chr1:215,680,236, C>T on the plus strand (G>A on the coding strand, the complement: USH2A is on the minus strand). VCF-style: chr1-215680236-C-T. GRCh37 (hg19) VCF-style: chr1-215853578-C-T.
Identifiers: ClinVar variation 4534565 (VCV004534565.6).